The following is an entry in ClinVar:

ClinVar aggregate classification (germline): Pathogenic (1 of 4 stars; one submission).

Conditions:
Bardet-Biedl syndrome (BBS). Identifiers: Orphanet 110, MedGen C0752166, MONDO:0015229.

Allele frequency attached by ClinVar (database versions not stated): gnomAD exomes below 0.00001; gnomAD 0.00001; 1000 Genomes Project 30x 0.00016; 1000 Genomes Project 0.00020.
gnomAD v4.1: 2 of 1,613,610 alleles (0.00012%); highest among the groups gnomAD compares: African/African-American, 0.0027%; no homozygotes.

Submission:

Labcorp Genetics (formerly Invitae), Labcorp
Classification: Pathogenic for Bardet-Biedl syndrome. Last evaluated: 2020-03-26. Review status: criteria provided, single submitter. Criteria: Invitae Variant Classification Sherloc (09022015). Collection method: clinical testing. Allele origin: germline.
Comment: For these reasons, this variant has been classified as Pathogenic. This variant disrupts the C-terminus of the BBS10 protein. Other variant(s) that disrupt this region (p.Val707*) have been determined to be pathogenic (PMID: 25982971, 22773737, 27486776, 20472660). This suggests that variants that disrupt this region of the protein are likely to be causative of disease. This variant has not been reported in the literature in individuals with BBS10-related conditions. This variant is not present in population databases (ExAC no frequency). This sequence change results in a premature translational stop signal in the BBS10 gene (p.Gln147*). While this is not anticipated to result in nonsense mediated decay, it is expected to disrupt the last 577 amino acids of the BBS10 protein.

Literature cited by the submitters: PubMed 25982971; PubMed 22773737; PubMed 27486776; PubMed 20472660.

NM_024685.4(BBS10):c.439C>T (p.Gln147Ter)

Gene: BBS10 (Bardet-Biedl syndrome 10; minus strand). Cytogenetic location: 12q21.2.
Variant type: single nucleotide variant.
Coding change: c.439C>T on transcript NM_024685.4 (MANE Select); coding-DNA position 439, C replaced by T.
Protein change: p.Gln147Ter; replaces glutamine 147 with a stop codon.
Molecular consequence: nonsense.
Genome position (GRCh38, 1-based): chr12:76,347,546, G>A on the plus strand (C>T on the coding strand, the complement: BBS10 is on the minus strand). VCF-style: chr12-76347546-G-A. GRCh37 (hg19) VCF-style: chr12-76741326-G-A.
Other names: short protein forms Q147*.
Identifiers: ClinVar variation 1069258 (VCV001069258.9), dbSNP rs199998327, ClinGen allele CA239332430.